The following is an entry in ClinVar:

NM_000426.4(LAMA2):c.6484del (p.Ile2162fs)

Gene: LAMA2 (laminin subunit alpha 2; plus strand). Cytogenetic location: 6q22.33.
Variant type: Deletion.
Coding change: c.6484del on transcript NM_000426.4 (MANE Select); coding-DNA position 6484, one base deleted (A; older notation c.6484delA).
Protein change: p.Ile2162fs; shifts the reading frame from isoleucine 2162.
Molecular consequence: frameshift variant.
Genome position (GRCh38, 1-based): chr6:129,453,042, A deleted; the last of 3 consecutive A bases (chr6:129,453,040-129,453,042); deleting any one gives the same sequence. VCF-style (leftmost placement, unchanged base first): chr6-129453039-GA-G. GRCh37 (hg19) VCF-style: chr6-129774184-GA-G.
Other names: c.6484del, p.Ile2162fs (NM_001079823.2); short protein forms I2162fs.
Identifiers: ClinVar variation 2086825 (VCV002086825.4), dbSNP rs2533416334, ClinGen allele CA2580074973.

ClinVar aggregate classification (germline): Pathogenic (1 of 4 stars; one submission).

Conditions:
LAMA2-related muscular dystrophy (LAMA2-RD). Also called: Laminin alpha 2-related dystrophy. Identifiers: MedGen C5679788, MONDO:0100228.

Submission:

Labcorp Genetics (formerly Invitae), Labcorp
Classification: Pathogenic for LAMA2-related muscular dystrophy. Last evaluated: 2022-11-30. Review status: criteria provided, single submitter. Criteria: Invitae Variant Classification Sherloc (09022015). Collection method: clinical testing. Allele origin: germline.
Comment: For these reasons, this variant has been classified as Pathogenic. This variant has not been reported in the literature in individuals affected with LAMA2-related conditions. This variant is not present in population databases (gnomAD no frequency). This sequence change creates a premature translational stop signal (p.Ile2162Serfs*13) in the LAMA2 gene. It is expected to result in an absent or disrupted protein product. Loss-of-function variants in LAMA2 are known to be pathogenic (PMID: 18700894, 32904964).

Literature cited by the submitters: PubMed 18700894; PubMed 32904964.